The following is an entry in ClinVar:

NM_002180.3(IGHMBP2):c.2756G>A (p.Arg919His)

Gene: IGHMBP2 (immunoglobulin mu DNA binding protein 2; plus strand). Cytogenetic location: 11q13.3.
Variant type: single nucleotide variant.
Coding change: c.2756G>A on transcript NM_002180.3 (MANE Select); coding-DNA position 2756, G replaced by A.
Protein change: p.Arg919His; replaces arginine 919 with histidine.
Molecular consequence: missense variant.
Genome position (GRCh38, 1-based): chr11:68,938,326, G>A. VCF-style: chr11-68938326-G-A. GRCh37 (hg19) VCF-style: chr11-68705794-G-A.
Other names: short protein forms R919H.
Identifiers: ClinVar variation 1497333 (VCV001497333.10), dbSNP rs148605058, ClinGen allele CA381654503.

ClinVar aggregate classification (germline): Uncertain significance. Review status: criteria provided, multiple submitters, no conflicts (2 of 4 stars). 2 submissions from 2 submitters: Uncertain significance (2). Last evaluated 2022-07-25.

Conditions:
Charcot-Marie-Tooth disease axonal type 2S. Also called: CHARCOT-MARIE-TOOTH NEUROPATHY, TYPE 2S; CHARCOT-MARIE-TOOTH DISEASE, AXONAL, AUTOSOMAL RECESSIVE, TYPE 2S. Identifiers: Orphanet 443073, MedGen C4015349, MONDO:0014511, OMIM 616155.
Autosomal recessive distal spinal muscular atrophy 1. Also called: HMN VI; SPINAL MUSCULAR ATROPHY, DIAPHRAGMATIC; Spinal muscular atrophy with respiratory distress 1; NEURONOPATHY, DISTAL HEREDITARY MOTOR, HARDING TYPE VI; NEUROPATHY, DISTAL HEREDITARY MOTOR, AUTOSOMAL RECESSIVE 1; NEURONOPATHY, SEVERE INFANTILE AXONAL, WITH RESPIRATORY FAILURE. Identifiers: Orphanet 98920, MedGen C1858517, MONDO:0011436, OMIM 604320.
Inborn genetic diseases. Identifiers: MedGen C0950123, MeSH D030342.

gnomAD v4.1: 5 of 1,611,506 alleles (0.00031%); highest among the groups gnomAD compares: African/African-American, 0.0013%; no homozygotes.

Submissions (2):

Labcorp Genetics (formerly Invitae), Labcorp
Classification: Uncertain significance for Autosomal recessive distal spinal muscular atrophy 1; Charcot-Marie-Tooth disease axonal type 2S. Last evaluated: 2022-07-25. Review status: criteria provided, single submitter. Criteria: Invitae Variant Classification Sherloc (09022015). Collection method: clinical testing. Allele origin: germline.
Comment: In summary, the available evidence is currently insufficient to determine the role of this variant in disease. Therefore, it has been classified as a Variant of Uncertain Significance. Advanced modeling of protein sequence and biophysical properties (such as structural, functional, and spatial information, amino acid conservation, physicochemical variation, residue mobility, and thermodynamic stability) performed at Invitae indicates that this missense variant is not expected to disrupt IGHMBP2 protein function. ClinVar contains an entry for this variant (Variation ID: 1497333). This variant has not been reported in the literature in individuals affected with IGHMBP2-related conditions. This variant is not present in population databases (gnomAD no frequency). This sequence change replaces arginine, which is basic and polar, with histidine, which is basic and polar, at codon 919 of the IGHMBP2 protein (p.Arg919His).

Ambry Genetics
Classification: Uncertain significance for Inborn genetic diseases. Last evaluated: 2022-01-15. Review status: criteria provided, single submitter. Criteria: Ambry Variant Classification Scheme 2023. Collection method: clinical testing. Allele origin: germline.
Comment: The p.R919H variant (also known as c.2756G>A), located in coding exon 14 of the IGHMBP2 gene, results from a G to A substitution at nucleotide position 2756. The arginine at codon 919 is replaced by histidine, an amino acid with highly similar properties. This amino acid position is conserved. In addition, this alteration is predicted to be tolerated by in silico analysis. Since supporting evidence is limited at this time, the clinical significance of this alteration remains unclear.